The following is an entry in ClinVar:

ClinVar aggregate classification (germline): Uncertain significance (1 of 4 stars; one submission).

Allele frequency attached by ClinVar (database versions not stated): TOPMed below 0.00001.

Submission:

Labcorp Genetics (formerly Invitae), Labcorp
Classification: Uncertain significance. Last evaluated: 2025-08-30. Review status: criteria provided, single submitter. Criteria: Invitae Variant Classification Sherloc (09022015). Collection method: clinical testing. Allele origin: germline.
Comment: This sequence change replaces glycine, which is neutral and non-polar, with arginine, which is basic and polar, at codon 530 of the CSF2RB protein (p.Gly530Arg). The frequency data for this variant in the population databases is considered unreliable, as metrics indicate poor data quality at this position in the gnomAD database. This variant has not been reported in the literature in individuals affected with CSF2RB-related conditions. ClinVar contains an entry for this variant (Variation ID: 2193257). Invitae Evidence Modeling of protein sequence and biophysical properties (such as structural, functional, and spatial information, amino acid conservation, physicochemical variation, residue mobility, and thermodynamic stability) indicates that this missense variant is not expected to disrupt CSF2RB protein function with a negative predictive value of 80%. In summary, the available evidence is currently insufficient to determine the role of this variant in disease. Therefore, it has been classified as a Variant of Uncertain Significance.

NM_000395.3(CSF2RB):c.1588G>A (p.Gly530Arg)

Gene: CSF2RB (colony stimulating factor 2 receptor subunit beta; plus strand). Cytogenetic location: 22q12.3.
Variant type: single nucleotide variant.
Coding change: c.1588G>A on transcript NM_000395.3 (MANE Select); coding-DNA position 1588, G replaced by A.
Protein change: p.Gly530Arg; replaces glycine 530 with arginine.
Molecular consequence: missense variant.
Genome position (GRCh38, 1-based): chr22:36,937,396, G>A. VCF-style: chr22-36937396-G-A. GRCh37 (hg19) VCF-style: chr22-37333438-G-A.
Other names: c.1606G>A, p.Gly536Arg (NM_001410827.1); short protein forms G536R, G530R.
Identifiers: ClinVar variation 2193257 (VCV002193257.4), dbSNP rs757730746, ClinGen allele CA411409772.